The following is an entry in ClinVar:

ClinVar aggregate classification (germline): Uncertain significance. Review status: criteria provided, multiple submitters, no conflicts (2 of 4 stars). 2 submissions from 2 submitters: Uncertain significance (2). Last evaluated 2025-11-30.

Allele frequency attached by ClinVar (database versions not stated): gnomAD exomes below 0.00001 and 0.00002; ExAC 0.00003; TOPMed 0.00003; gnomAD 0.00005 and 0.00006.
gnomAD v4.1: 9 of 1,610,750 alleles (0.00056%); highest among the groups gnomAD compares: African/African-American, 0.012%; no homozygotes.

Submissions (2):

Labcorp Genetics (formerly Invitae), Labcorp
Classification: Uncertain significance. Last evaluated: 2025-11-30. Review status: criteria provided, single submitter. Criteria: Invitae Variant Classification Sherloc (09022015). Collection method: clinical testing. Allele origin: germline.
Comment: This sequence change replaces alanine, which is neutral and non-polar, with valine, which is neutral and non-polar, at codon 604 of the RNF43 protein (p.Ala604Val). This variant is present in population databases (rs757938809, gnomAD 0.03%). This variant has not been reported in the literature in individuals affected with RNF43-related conditions. ClinVar contains an entry for this variant (Variation ID: 1382611). An algorithm developed to predict the effect of missense changes on protein structure and function outputs the following: PolyPhen-2: "Benign". The valine amino acid residue is found in multiple mammalian species, which suggests that this missense change does not adversely affect protein function. In summary, the available evidence is currently insufficient to determine the role of this variant in disease. Therefore, it has been classified as a Variant of Uncertain Significance.

Ambry Genetics
Classification: Uncertain significance. Last evaluated: 2024-12-01. Review status: criteria provided, single submitter. Criteria: Ambry Variant Classification Scheme 2023. Collection method: clinical testing. Allele origin: germline.
Comment: The p.A604V variant (also known as c.1811C>T), located in coding exon 8 of the RNF43 gene, results from a C to T substitution at nucleotide position 1811. The alanine at codon 604 is replaced by valine, an amino acid with similar properties. This amino acid position is conserved. In addition, this alteration is predicted to be tolerated by in silico analysis. Based on the available evidence, the clinical significance of this variant remains unclear.

NM_017763.6(RNF43):c.1811C>T (p.Ala604Val)

Gene: RNF43 (ring finger protein 43; minus strand). Cytogenetic location: 17q22.
Variant type: single nucleotide variant.
Coding change: c.1811C>T on transcript NM_017763.6 (MANE Select); coding-DNA position 1811, C replaced by T.
Protein change: p.Ala604Val; replaces alanine 604 with valine.
Molecular consequence: missense variant.
Genome position (GRCh38, 1-based): chr17:58,357,965, G>A on the plus strand (C>T on the coding strand, the complement: RNF43 is on the minus strand). VCF-style: chr17-58357965-G-A. GRCh37 (hg19) VCF-style: chr17-56435326-G-A.
Other names: c.1811C>T, p.Ala604Val (NM_001305544.3); c.1430C>T, p.Ala477Val (NM_001305545.2); short protein forms A477V, A604V.
Identifiers: ClinVar variation 1382611 (VCV001382611.7), dbSNP rs757938809, ClinGen allele CA8673110.